The following is an entry in ClinVar:

ClinVar aggregate classification (germline): Uncertain significance (1 of 4 stars; one submission).

Submission:

Labcorp Genetics (formerly Invitae), Labcorp
Classification: Uncertain significance. Last evaluated: 2022-07-26. Review status: criteria provided, single submitter. Criteria: Invitae Variant Classification Sherloc (09022015). Collection method: clinical testing. Allele origin: germline.
Comment: In summary, the available evidence is currently insufficient to determine the role of this variant in disease. Therefore, it has been classified as a Variant of Uncertain Significance. Advanced modeling of protein sequence and biophysical properties (such as structural, functional, and spatial information, amino acid conservation, physicochemical variation, residue mobility, and thermodynamic stability) performed at Invitae indicates that this missense variant is expected to disrupt GANAB protein function. This variant has not been reported in the literature in individuals affected with GANAB-related conditions. This variant is not present in population databases (gnomAD no frequency). This sequence change replaces proline, which is neutral and non-polar, with leucine, which is neutral and non-polar, at codon 412 of the GANAB protein (p.Pro412Leu).

NM_198334.3(GANAB):c.1169C>T (p.Pro390Leu)

Gene: GANAB (glucosidase II alpha subunit; minus strand). Cytogenetic location: 11q12.3.
Variant type: single nucleotide variant.
Coding change: c.1169C>T on transcript NM_198334.3 (MANE Select); coding-DNA position 1169, C replaced by T.
Protein change: p.Pro390Leu; replaces proline 390 with leucine.
Molecular consequence: missense variant.
Genome position (GRCh38, 1-based): chr11:62,630,818, G>A on the plus strand (C>T on the coding strand, the complement: GANAB is on the minus strand). VCF-style: chr11-62630818-G-A. GRCh37 (hg19) VCF-style: chr11-62398290-G-A.
Other names: c.893C>T, p.Pro298Leu (NM_001278192.2); c.827C>T, p.Pro276Leu (NM_001278193.2); c.878C>T, p.Pro293Leu (NM_001278194.2, NM_001329222.2, NM_001329223.2); c.446C>T, p.Pro149Leu (NM_001329224.2, NM_001329225.2); c.1235C>T, p.Pro412Leu (NM_198335.4); short protein forms P293L, P298L, P390L, P276L, P149L, P412L.
Identifiers: ClinVar variation 1966058 (VCV001966058.5), dbSNP rs2496337729, ClinGen allele CA380993879.